The following is an entry in ClinVar:

ClinVar aggregate classification (germline): Uncertain significance (1 of 4 stars; one submission).

gnomAD v4.1: 1 of 1,606,640 alleles (0.000062%); highest among the groups gnomAD compares: Non-Finnish European, 0.000085%; no homozygotes.

Submission:

CeGaT Center for Human Genetics Tuebingen
Classification: Uncertain significance. Last evaluated: 2026-06-01. Review status: criteria provided, single submitter. Criteria: CeGaT Center For Human Genetics Tuebingen Variant Classification Criteria Version 2. Collection method: clinical testing. Allele origin: germline. Affected: yes. Observed: 1 variant allele.
Comment: NBEA: PM2:Supporting, BP4

NM_001385012.1(NBEA):c.4955T>C (p.Ile1652Thr)

Gene: NBEA (neurobeachin; plus strand). Cytogenetic location: 13q13.3.
Variant type: single nucleotide variant.
Coding change: c.4955T>C on transcript NM_001385012.1 (MANE Select); coding-DNA position 4955, T replaced by C.
Protein change: p.Ile1652Thr; replaces isoleucine 1652 with threonine.
Molecular consequence: missense variant.
Genome position (GRCh38, 1-based): chr13:35,195,891, T>C. VCF-style: chr13-35195891-T-C. GRCh37 (hg19) VCF-style: chr13-35770028-T-C.
Other names: c.4946T>C, p.Ile1649Thr (NM_001379245.1); c.4955T>C, p.Ile1652Thr (NM_015678.5); short protein forms I1649T, I1652T.
Identifiers: ClinVar variation 4873801 (VCV004873801.2).
Genomic context (GRCh38, chr13:35,195,891, plus strand): 5'-AGCTTTTTTCTAACCTAGTTTCTTTCATTACAGAAACACCTGCTGCATTTCCAGACACCA[T>C]AAAAGAAAAAGAAACACCAACTCCTGGTGAAGATATTCAGGTAGAAAGTTCAATTCCCCA-3'
Protein context (NP_001371941.1, residues 1642-1662): KETPAAFPDT[Ile1652Thr]KEKETPTPGE